The following is an entry in ClinVar:

ClinVar aggregate classification (germline): Uncertain significance (1 of 4 stars; one submission).

Conditions:
Dilated cardiomyopathy 1DD (CMD1DD). Identifiers: Orphanet 154, MedGen C2750995, MONDO:0013168, OMIM 613172.

Submission:

Labcorp Genetics (formerly Invitae), Labcorp
Classification: Uncertain significance for Dilated cardiomyopathy 1DD. Last evaluated: 2025-09-27. Review status: criteria provided, single submitter. Criteria: Invitae Variant Classification Sherloc (09022015). Collection method: clinical testing. Allele origin: germline.
Comment: This sequence change replaces threonine, which is neutral and polar, with proline, which is neutral and non-polar, at codon 467 of the RBM20 protein (p.Thr467Pro). This variant is not present in population databases (gnomAD no frequency). This variant has not been reported in the literature in individuals affected with RBM20-related conditions. Invitae Evidence Modeling of protein sequence and biophysical properties (such as structural, functional, and spatial information, amino acid conservation, physicochemical variation, residue mobility, and thermodynamic stability) indicates that this missense variant is not expected to disrupt RBM20 protein function with a negative predictive value of 95%. In summary, the available evidence is currently insufficient to determine the role of this variant in disease. Therefore, it has been classified as a Variant of Uncertain Significance.

NM_001134363.3(RBM20):c.1399A>C (p.Thr467Pro)

Gene: RBM20 (RNA binding motif protein 20; plus strand). Cytogenetic location: 10q25.2.
Variant type: single nucleotide variant.
Coding change: c.1399A>C on transcript NM_001134363.3 (MANE Select); coding-DNA position 1399, A replaced by C.
Protein change: p.Thr467Pro; replaces threonine 467 with proline.
Molecular consequence: missense variant.
Genome position (GRCh38, 1-based): chr10:110,784,402, A>C. VCF-style: chr10-110784402-A-C. GRCh37 (hg19) VCF-style: chr10-112544160-A-C.
Other names: short protein forms T467P.
Identifiers: ClinVar variation 4811857 (VCV004811857.1).